The following is an entry in ClinVar:

ClinVar aggregate classification (germline): Likely pathogenic (1 of 4 stars; one submission).

Conditions:
Nizon-Isidor syndrome. Identifiers: MedGen C5394350, MONDO:0030030, OMIM 618872.

Submission:

Greenwood Genetic Center Diagnostic Laboratories, Greenwood Genetic Center
Classification: Likely pathogenic for Nizon-Isidor syndrome. Last evaluated: 2024-06-18. Review status: criteria provided, single submitter. Criteria: ACMG Guidelines, 2015. Collection method: clinical testing. Allele origin: germline. Affected: yes.
Comment: PVS1, PM2

NM_001393769.1(MED12L):c.1946del (p.Lys649fs)

Gene: MED12L (mediator complex subunit 12L; plus strand). Cytogenetic location: 3q25.1.
Variant type: Deletion.
Coding change: c.1946del on transcript NM_001393769.1 (MANE Select); coding-DNA position 1946, one base deleted (A; older notation c.1946delA).
Protein change: p.Lys649fs; shifts the reading frame from lysine 649.
Molecular consequence: frameshift variant.
Genome position (GRCh38, 1-based): chr3:151,190,909, A deleted; the last of 3 consecutive A bases (chr3:151,190,907-151,190,909); deleting any one gives the same sequence. VCF-style (leftmost placement, unchanged base first): chr3-151190906-CA-C. GRCh37 (hg19) VCF-style: chr3-150908693-CA-C.
Other names: c.1946del, p.Lys649fs (NM_053002.6); short protein forms K649fs.
Identifiers: ClinVar variation 3338560 (VCV003338560.1).